The following is an entry in ClinVar:

ClinVar aggregate classification (germline): Uncertain significance (1 of 4 stars; one submission).

Conditions:
Hereditary cancer-predisposing syndrome. Also called: Hereditary neoplastic syndrome; Hereditary Cancer Syndrome; Neoplastic Syndromes, Hereditary; Tumor predisposition. Identifiers: Orphanet 140162, MedGen C0027672, MeSH D009386, MONDO:0015356.

Submission:

Ambry Genetics
Classification: Uncertain significance for Hereditary cancer-predisposing syndrome. Last evaluated: 2023-04-19. Review status: criteria provided, single submitter. Criteria: Ambry Variant Classification Scheme 2023. Collection method: clinical testing. Allele origin: germline.
Comment: The p.E355V variant (also known as c.1064A>T), located in coding exon 11 of the NF2 gene, results from an A to T substitution at nucleotide position 1064. The glutamic acid at codon 355 is replaced by valine, an amino acid with dissimilar properties. This amino acid position is conserved. In addition, the in silico prediction for this alteration is inconclusive. Since supporting evidence is limited at this time, the clinical significance of this alteration remains unclear.

NM_000268.4(NF2):c.1064A>T (p.Glu355Val)

Gene: NF2 (NF2, moesin-ezrin-radixin like (MERLIN) tumor suppressor; plus strand). Cytogenetic location: 22q12.2.
Variant type: single nucleotide variant.
Coding change: c.1064A>T on transcript NM_000268.4 (MANE Select); coding-DNA position 1064, A replaced by T.
Protein change: p.Glu355Val; replaces glutamic acid 355 with valine.
Molecular consequence: missense variant. On other transcripts: intron variant (1).
Genome position (GRCh38, 1-based): chr22:29,671,890, A>T. VCF-style: chr22-29671890-A-T. GRCh37 (hg19) VCF-style: chr22-30067879-A-T.
Other names: c.950A>T, p.Glu317Val (NM_001407053.1, NM_001407056.1); c.941A>T, p.Glu314Val (NM_001407054.1, NM_001407058.1, NM_181829.3); c.938A>T, p.Glu313Val (NM_001407055.1, NM_181828.3); c.929A>T, p.Glu310Val (NM_001407057.1, NM_001407059.1); c.1064A>T, p.Glu355Val (NM_001407060.1, NM_001407066.1, NM_016418.5 and 2 more transcripts); c.806A>T, p.Glu269Val (NM_001407062.1); c.815A>T, p.Glu272Val (NM_001407063.1, NM_001407064.1, NM_181830.3 and 1 more transcripts); c.530A>T, p.Glu177Val (NM_001407065.1); and 2 more; short protein forms E269V, E317V, E355V, E177V, E310V, E278V, E272V, E313V.
Identifiers: ClinVar variation 2568058 (VCV002568058.2), dbSNP rs2066803440, ClinGen allele CA411146965.